The following is an entry in ClinVar:

NM_001394532.1(THSD4):c.-80+14250T>C

Genes: CT62 (cancer/testis associated 62; minus strand), THSD4 (thrombospondin type 1 domain containing 4; plus strand). Cytogenetic location: 15q23.
Variant type: single nucleotide variant.
Coding change: c.-80+14250T>C on transcript NM_001394532.1; 14250 bases into the intron after 80 bases upstream of the start codon, T replaced by C.
Molecular consequence: intron variant. On other transcripts: non-coding transcript variant (2).
Genome position (GRCh38, 1-based): chr15:71,111,256, T>C. VCF-style: chr15-71111256-T-C. GRCh37 (hg19) VCF-style: chr15-71403595-T-C.
Identifiers: ClinVar variation 2645498 (VCV002645498.22), dbSNP rs144279154, ClinGen allele CA7638871.

ClinVar aggregate classification (germline): Likely benign (1 of 4 stars; one submission).

Allele frequency attached by ClinVar (database versions not stated): 1000 Genomes Project 0.00180; TOPMed 0.00318; ESP Exome Variant Server 0.00172; ExAC 0.00247; gnomAD 0.00246; 1000 Genomes Project 30x 0.00156; gnomAD exomes 0.00290.
gnomAD v4.1: 4,643 of 1,613,972 alleles (0.29%); highest among the groups gnomAD compares: Admixed American, 0.74%; 12 homozygotes.

Submission:

CeGaT Center for Human Genetics Tuebingen
Classification: Likely benign. Last evaluated: 2025-08-01. Review status: criteria provided, single submitter. Criteria: CeGaT Center For Human Genetics Tuebingen Variant Classification Criteria Version 2. Collection method: clinical testing. Allele origin: germline. Affected: yes. Observed: 4 variant alleles.
Comment: CT62: BP4, BP7